The following is an entry in ClinVar:

ClinVar aggregate classification (germline): Likely pathogenic (1 of 4 stars; one submission).

Conditions:
Schwartz-Jampel syndrome type 1 (SJS1). Also called: MYOTONIC MYOPATHY, DWARFISM, CHONDRODYSTROPHY, AND OCULAR AND FACIAL ABNORMALITIES; CHONDRODYSTROPHIC MYOTONIA. Identifiers: MedGen C4551479, MONDO:0100435, OMIM 255800.

gnomAD v4.1: 1 of 1,613,550 alleles (0.000062%); highest among the groups gnomAD compares: Admixed American, 0.0017%; no homozygotes.

Submission:

Clinical Biomedical Laboratory, Shriners Hospital For Children - Canada
Classification: Likely pathogenic for Schwartz-Jampel syndrome type 1. Last evaluated: 2025-10-05. Review status: criteria provided, single submitter. Criteria: ACMG Guidelines, 2015. Collection method: clinical testing. Allele origin: germline. Affected: yes.
Comment: This homozygous variant affects a splice region in HSPG2 and is expected to disrupt splicing (SpliceAI delta score 0.95). This variant is absent from the Genome Aggregation Database (v2.1.1). Autosomal recessive variants in HSPG2 are associated with Schwartz-Jampel Syndrome type 1, which corresponds to the clinical diagnosis of the proband. Splice site mutations in HSPG2 have been described as a cause of Schwartz Jampel Syndrome type 1 (PMID 27521129, 38424183). Based on the ACMG variant interpretation guidelines, the available evidence supports classification of this variant as likely pathogenic.

Literature cited by the submitters: PubMed 27521129; PubMed 38424183.

NM_005529.7(HSPG2):c.9052+4A>G

Gene: HSPG2 (heparan sulfate proteoglycan 2; minus strand). Cytogenetic location: 1p36.12.
Variant type: single nucleotide variant.
Coding change: c.9052+4A>G on transcript NM_005529.7 (MANE Select); 4 bases into the intron after coding-DNA position 9052, A replaced by G.
Molecular consequence: intron variant.
Genome position (GRCh38, 1-based): chr1:21,842,235, T>C on the plus strand (A>G on the coding strand, the complement: HSPG2 is on the minus strand). VCF-style: chr1-21842235-T-C. GRCh37 (hg19) VCF-style: chr1-22168728-T-C.
Other names: c.9055+4A>G (NM_001291860.2).
Identifiers: ClinVar variation 4280629 (VCV004280629.1).